The following is an entry in ClinVar:

NM_152703.5(SAMD9L):c.4286T>G (p.Leu1429Trp)

Gene: SAMD9L (sterile alpha motif domain containing 9 like; minus strand). Cytogenetic location: 7q21.2.
Variant type: single nucleotide variant.
Coding change: c.4286T>G on transcript NM_152703.5 (MANE Select); coding-DNA position 4286, T replaced by G.
Protein change: p.Leu1429Trp; replaces leucine 1429 with tryptophan.
Molecular consequence: missense variant.
Genome position (GRCh38, 1-based): chr7:93,131,686, A>C on the plus strand (T>G on the coding strand, the complement: SAMD9L is on the minus strand). VCF-style: chr7-93131686-A-C. GRCh37 (hg19) VCF-style: chr7-92760999-A-C.
Other names: c.4286T>G, p.Leu1429Trp (NM_001303496.3, NM_001303497.3, NM_001303498.3 and 5 more transcripts); short protein forms L1429W.
Identifiers: ClinVar variation 3437233 (VCV003437233.3).
Genomic context (GRCh38, chr7:93,131,686, plus strand): 5'-TCTATTAGTTTGGAATCTTGATCTAGCTCTTGATTTTCTGGCCAGAACAGGAGGCAGGCC[A>C]AGAAATAAGGACCTGGATATTGATGACTTAGTCCTACAAATTGCAAGACCTCTCGGAGTT-3'
Protein context (NP_689916.2, residues 1419-1439): LSHQYPGPYF[Leu1429Trp]ACLLFWPENQ

ClinVar aggregate classification (germline): Uncertain significance. Review status: criteria provided, multiple submitters, no conflicts (2 of 4 stars). 2 submissions from 2 submitters: Uncertain significance (2). Last evaluated 2025-01-07.

Conditions:
Inborn genetic diseases. Identifiers: MedGen C0950123, MeSH D030342.

Submissions (2):

Labcorp Genetics (formerly Invitae), Labcorp
Classification: Uncertain significance. Last evaluated: 2025-01-07. Review status: criteria provided, single submitter. Criteria: Invitae Variant Classification Sherloc (09022015). Collection method: clinical testing. Allele origin: germline.
Comment: This sequence change replaces leucine, which is neutral and non-polar, with tryptophan, which is neutral and slightly polar, at codon 1429 of the SAMD9L protein (p.Leu1429Trp). This variant is present in population databases (no rsID available, gnomAD 0.0009%). This variant has not been reported in the literature in individuals affected with SAMD9L-related conditions. Invitae Evidence Modeling of protein sequence and biophysical properties (such as structural, functional, and spatial information, amino acid conservation, physicochemical variation, residue mobility, and thermodynamic stability) indicates that this missense variant is expected to disrupt SAMD9L protein function with a positive predictive value of 80%. In summary, the available evidence is currently insufficient to determine the role of this variant in disease. Therefore, it has been classified as a Variant of Uncertain Significance.

Ambry Genetics
Classification: Uncertain significance for Inborn genetic diseases. Last evaluated: 2024-12-07. Review status: criteria provided, single submitter. Criteria: Ambry Variant Classification Scheme 2023. Collection method: clinical testing. Allele origin: germline.
Comment: The p.L1429W variant (also known as c.4286T>G), located in coding exon 1 of the SAMD9L gene, results from a T to G substitution at nucleotide position 4286. The leucine at codon 1429 is replaced by tryptophan, an amino acid with similar properties. This amino acid position is conserved. In addition, the in silico prediction for this alteration is inconclusive. Based on the available evidence, the clinical significance of this variant remains unclear.